The following is an entry in ClinVar:

NM_000170.3(GLDC):c.827T>C (p.Phe276Ser)

Gene: GLDC (glycine decarboxylase; minus strand). Cytogenetic location: 9p24.1.
Variant type: single nucleotide variant.
Coding change: c.827T>C on transcript NM_000170.3 (MANE Select); coding-DNA position 827, T replaced by C.
Protein change: p.Phe276Ser; replaces phenylalanine 276 with serine.
Molecular consequence: missense variant.
Genome position (GRCh38, 1-based): chr9:6,605,165, A>G on the plus strand (T>C on the coding strand, the complement: GLDC is on the minus strand). VCF-style: chr9-6605165-A-G. GRCh37 (hg19) VCF-style: chr9-6605165-A-G.
Other names: c.827T>C (NM_000170.2); short protein forms F276S.
Identifiers: ClinVar variation 1389554 (VCV001389554.6), dbSNP rs967825860, ClinGen allele CA188684611.
Genomic context (GRCh38, chr9:6,605,165, plus strand): 5'-ACCCCCCACAAGAAAGGTATACCTACCCCACTCTGATGAGCTCTCTCCACGAGTTCCGTA[A>G]AGTCTTCCACCTTCCCCTCCGTGTCTGGGTACTGGAACAACACTCCACTGACATCTTTTC-3'
Protein context (NP_000161.2, residues 266-286): YPDTEGKVED[Phe276Ser]TELVERAHQS

ClinVar aggregate classification (germline): Uncertain significance. Review status: criteria provided, multiple submitters, no conflicts (2 of 4 stars). 2 submissions from 2 submitters: Uncertain significance (2). Last evaluated 2022-04-29.

Conditions:
Inborn genetic diseases. Identifiers: MedGen C0950123, MeSH D030342.
Glycine encephalopathy. Also called: Nonketotic hyperglycinemia; Non-ketotic hyperglycinemia. Identifiers: Orphanet 407, MedGen C0751748, MONDO:0011612, HP:0008288.

Allele frequency attached by ClinVar (database versions not stated): gnomAD exomes below 0.00001.
gnomAD v4.1: 1 of 1,613,282 alleles (0.000062%); highest among the groups gnomAD compares: Admixed American, 0.0017%; no homozygotes.

Submissions (2):

Ambry Genetics
Classification: Uncertain significance for Inborn genetic diseases. Last evaluated: 2022-04-29. Review status: criteria provided, single submitter. Criteria: Ambry Variant Classification Scheme 2023. Collection method: clinical testing. Allele origin: germline.

Labcorp Genetics (formerly Invitae), Labcorp
Classification: Uncertain significance for Glycine encephalopathy. Last evaluated: 2021-09-01. Review status: criteria provided, single submitter. Criteria: Invitae Variant Classification Sherloc (09022015). Collection method: clinical testing. Allele origin: germline.
Comment: This sequence change replaces phenylalanine with serine at codon 276 of the GLDC protein (p.Phe276Ser). The phenylalanine residue is highly conserved and there is a large physicochemical difference between phenylalanine and serine. This variant is not present in population databases (ExAC no frequency). This variant has not been reported in the literature in individuals affected with GLDC-related conditions. Algorithms developed to predict the effect of missense changes on protein structure and function are either unavailable or do not agree on the potential impact of this missense change (SIFT: "Deleterious"; PolyPhen-2: "Probably Damaging"; Align-GVGD: "Class C0"). In summary, the available evidence is currently insufficient to determine the role of this variant in disease. Therefore, it has been classified as a Variant of Uncertain Significance.